The following is an entry in ClinVar:

ClinVar aggregate classification (germline): Uncertain significance (1 of 4 stars; one submission).

Conditions:
Early-infantile DEE. Also called: Early infantile epileptic encephalopathy; Early infantile epileptic encephalopathy with suppression bursts; Ohtahara syndrome. Identifiers: Orphanet 1934, MedGen C0393706, MONDO:0800491.

Allele frequency attached by ClinVar (database versions not stated): gnomAD exomes below 0.00001.
gnomAD v4.1: 4 of 1,602,246 alleles (0.00025%); highest among the groups gnomAD compares: Non-Finnish European, 0.00034%; no homozygotes.

Submission:

Labcorp Genetics (formerly Invitae), Labcorp
Classification: Uncertain significance for Early-infantile DEE. Last evaluated: 2022-06-20. Review status: criteria provided, single submitter. Criteria: Invitae Variant Classification Sherloc (09022015). Collection method: clinical testing. Allele origin: germline.
Comment: In summary, the available evidence is currently insufficient to determine the role of this variant in disease. Therefore, it has been classified as a Variant of Uncertain Significance. Algorithms developed to predict the effect of sequence changes on RNA splicing suggest that this variant may create or strengthen a splice site. Algorithms developed to predict the effect of missense changes on protein structure and function are either unavailable or do not agree on the potential impact of this missense change (SIFT: "Deleterious"; PolyPhen-2: "Probably Damaging"; Align-GVGD: "Class C0"). This variant has not been reported in the literature in individuals affected with SCN8A-related conditions. This variant is not present in population databases (gnomAD no frequency). This sequence change replaces glycine, which is neutral and non-polar, with serine, which is neutral and polar, at codon 653 of the SCN8A protein (p.Gly653Ser).

NM_001330260.2(SCN8A):c.1957G>A (p.Gly653Ser)

Gene: SCN8A (sodium voltage-gated channel alpha subunit 8; plus strand). Cytogenetic location: 12q13.13.
Variant type: single nucleotide variant.
Coding change: c.1957G>A on transcript NM_001330260.2 (MANE Select); coding-DNA position 1957, G replaced by A.
Protein change: p.Gly653Ser; replaces glycine 653 with serine.
Molecular consequence: missense variant.
Genome position (GRCh38, 1-based): chr12:51,721,867, G>A. VCF-style: chr12-51721867-G-A. GRCh37 (hg19) VCF-style: chr12-52115651-G-A.
Other names: c.1957G>A, p.Gly653Ser (NM_001177984.3, NM_001369788.1, NM_014191.4); short protein forms G653S.
Identifiers: ClinVar variation 1346536 (VCV001346536.9), dbSNP rs1020814791, ClinGen allele CA236267004.